The following is an entry in ClinVar:

NM_018486.3(HDAC8):c.835A>G (p.Met279Val)

Gene: HDAC8 (histone deacetylase 8; minus strand). Cytogenetic location: Xq13.1.
Variant type: single nucleotide variant.
Coding change: c.835A>G on transcript NM_018486.3 (MANE Select); coding-DNA position 835, A replaced by G.
Protein change: p.Met279Val; replaces methionine 279 with valine.
Molecular consequence: missense variant. On other transcripts: non-coding transcript variant (1).
Genome position (GRCh38, 1-based): chrX:72,464,634, T>C on the plus strand (A>G on the coding strand, the complement: HDAC8 is on the minus strand). VCF-style: chrX-72464634-T-C. GRCh37 (hg19) VCF-style: chrX-71684484-T-C.
Other names: c.562A>G, p.Met188Val (NM_001166418.2); short protein forms M188V, M279V.
Identifiers: ClinVar variation 1313854 (VCV001313854.12), dbSNP rs1555993170, ClinGen allele CA413643022.

ClinVar aggregate classification (germline): Uncertain significance. Review status: criteria provided, multiple submitters, no conflicts (2 of 4 stars). 4 submissions from 4 submitters: Uncertain significance (4). Last evaluated 2024-12-22.

Conditions:
Inborn genetic diseases. Identifiers: MedGen C0950123, MeSH D030342.
Cornelia de Lange syndrome 5 (CDLS5). Also called: HDAC8-Related Cornelia de Lange Syndrome. Identifiers: Orphanet 199, MedGen C3550903, MONDO:0010471, OMIM 300882.

Allele frequency attached by ClinVar (database versions not stated): gnomAD exomes below 0.00001 and 0.00001; TOPMed 0.00001.
gnomAD v4.1: 1 of 1,205,374 alleles (0.000083%); highest among the groups gnomAD compares: Admixed American, 0.0022%; no homozygotes.

Submissions (4):

Ambry Genetics
Classification: Uncertain significance for Inborn genetic diseases. Last evaluated: 2024-12-22. Review status: criteria provided, single submitter. Criteria: Ambry Variant Classification Scheme 2023. Collection method: clinical testing. Allele origin: germline.

Labcorp Genetics (formerly Invitae), Labcorp
Classification: Uncertain significance for Cornelia de Lange syndrome 5. Last evaluated: 2024-04-05. Review status: criteria provided, single submitter. Criteria: Invitae Variant Classification Sherloc (09022015). Collection method: clinical testing. Allele origin: germline.
Comment: This sequence change replaces methionine, which is neutral and non-polar, with valine, which is neutral and non-polar, at codon 279 of the HDAC8 protein (p.Met279Val). This variant is present in population databases (no rsID available, gnomAD 0.004%). This variant has not been reported in the literature in individuals affected with HDAC8-related conditions. ClinVar contains an entry for this variant (Variation ID: 1313854). Advanced modeling of protein sequence and biophysical properties (such as structural, functional, and spatial information, amino acid conservation, physicochemical variation, residue mobility, and thermodynamic stability) performed at Invitae indicates that this missense variant is not expected to disrupt HDAC8 protein function with a negative predictive value of 80%. In summary, the available evidence is currently insufficient to determine the role of this variant in disease. Therefore, it has been classified as a Variant of Uncertain Significance.

Revvity Omics, Revvity
Classification: Uncertain significance for Cornelia de Lange syndrome 5. Last evaluated: 2024-01-09. Review status: criteria provided, single submitter. Criteria: ACMG Guidelines, 2015. Collection method: clinical testing. Allele origin: germline.

GeneDx
Classification: Uncertain significance. Last evaluated: 2023-09-27. Review status: criteria provided, single submitter. Criteria: GeneDx Variant Classification Process June 2021. Collection method: clinical testing. Allele origin: germline. Affected: yes.
Comment: Not observed at significant frequency in large population cohorts (gnomAD); In silico analysis supports that this missense variant does not alter protein structure/function; Has not been previously published as pathogenic or benign to our knowledge